The following is an entry in ClinVar:

ClinVar aggregate classification (germline): Conflicting classifications of pathogenicity. Review status: criteria provided, conflicting classifications (1 of 4 stars). 3 submissions from 3 submitters: Uncertain significance (2); Likely benign (1). Last evaluated 2024-07-17.

Conditions:
Inborn genetic diseases. Identifiers: MedGen C0950123, MeSH D030342.

Allele frequency attached by ClinVar (database versions not stated): gnomAD exomes 0.00004; ExAC 0.00006; ESP Exome Variant Server 0.00008; TOPMed 0.00008; gnomAD 0.00009; 1000 Genomes Project 30x 0.00016; 1000 Genomes Project 0.00020.
gnomAD v4.1: 280 of 1,608,834 alleles (0.017%); highest among the groups gnomAD compares: Non-Finnish European, 0.023%; no homozygotes.

Submissions (3):

Ambry Genetics
Classification: Uncertain significance for Inborn genetic diseases. Last evaluated: 2024-07-17. Review status: criteria provided, single submitter. Criteria: Ambry Variant Classification Scheme 2023. Collection method: clinical testing. Allele origin: germline.

CeGaT Center for Human Genetics Tuebingen
Classification: Likely benign. Last evaluated: 2022-11-01. Review status: criteria provided, single submitter. Criteria: CeGaT Center For Human Genetics Tuebingen Variant Classification Criteria Version 2. Collection method: clinical testing. Allele origin: germline. Affected: yes. Observed: 1 variant allele.
Comment: MEOX1: BP4

Labcorp Genetics (formerly Invitae), Labcorp
Classification: Uncertain significance. Last evaluated: 2022-10-05. Review status: criteria provided, single submitter. Criteria: Invitae Variant Classification Sherloc (09022015). Collection method: clinical testing. Allele origin: germline.
Comment: This sequence change replaces arginine, which is basic and polar, with histidine, which is basic and polar, at codon 103 of the MEOX1 protein (p.Arg103His). This variant is present in population databases (rs140721400, gnomAD 0.01%). This variant has not been reported in the literature in individuals affected with MEOX1-related conditions. ClinVar contains an entry for this variant (Variation ID: 1463941). Algorithms developed to predict the effect of missense changes on protein structure and function output the following: SIFT: "Deleterious"; PolyPhen-2: "Benign"; Align-GVGD: "Class C0". The histidine amino acid residue is found in multiple mammalian species, which suggests that this missense change does not adversely affect protein function. In summary, the available evidence is currently insufficient to determine the role of this variant in disease. Therefore, it has been classified as a Variant of Uncertain Significance.

NM_004527.4(MEOX1):c.308G>A (p.Arg103His)

Gene: MEOX1 (mesenchyme homeobox 1; minus strand). Cytogenetic location: 17q21.31.
Variant type: single nucleotide variant.
Coding change: c.308G>A on transcript NM_004527.4 (MANE Select); coding-DNA position 308, G replaced by A.
Protein change: p.Arg103His; replaces arginine 103 with histidine.
Molecular consequence: missense variant. On other transcripts: 5 prime UTR variant (1).
Genome position (GRCh38, 1-based): chr17:43,661,227, C>T on the plus strand (G>A on the coding strand, the complement: MEOX1 is on the minus strand). VCF-style: chr17-43661227-C-T. GRCh37 (hg19) VCF-style: chr17-41738595-C-T.
Other names: c.-38G>A (NM_001040002.2); c.308G>A, p.Arg103His (NM_013999.4); c.308G>A (NM_004527.3); short protein forms R103H.
Identifiers: ClinVar variation 1463941 (VCV001463941.29), dbSNP rs140721400, ClinGen allele CA8592657.